The following is an entry in ClinVar:

ClinVar aggregate classification (germline): Uncertain significance. Review status: reviewed by expert panel (3 of 4 stars). 5 submissions from 4 submitters: Uncertain significance (1). 4 of the submissions do not count toward it. Last evaluated 2024-04-26.

Conditions:
Primary pulmonary hypertension. Also called: Idiopathic pulmonary hypertension. Identifiers: MedGen C0152171.
Pulmonary hypertension, primary, 1 (PPH1). Also called: Pulmonary hypertension, familial primary, 1, with or without HHT. Identifiers: Orphanet 422, MedGen C4552070, MONDO:0024533, OMIM 178600.
Inborn genetic diseases. Identifiers: MedGen C0950123, MeSH D030342.
Pulmonary arterial hypertension. Identifiers: Orphanet 182090, MedGen C2973725, MeSH D000081029, MONDO:0015924, HP:0002092.
Pulmonary venoocclusive disease 1 (PVOD1). Also called: Pulmonary venoocclusive disease 1, autosomal dominant. Identifiers: Orphanet 31837, MedGen C3887658, MONDO:0020713, OMIM 265450.

Allele frequency attached by ClinVar (database versions not stated): ExAC 0.00006; TOPMed 0.00029; ESP Exome Variant Server 0.00031; gnomAD 0.00032; gnomAD exomes 0.00003.
gnomAD v4.1: 93 of 1,614,076 alleles (0.0058%); highest among the groups gnomAD compares: African/African-American, 0.11%; no homozygotes.

Submissions (5):

Clingen Pulmonary Hypertension Variant Curation Expert Panel, ClinGen
Classification: Uncertain significance for Pulmonary arterial hypertension. Last evaluated: 2024-04-26. Review status: reviewed by expert panel. Criteria: ClinGen PH ACMG Specifications BMPR2 V1.1.0. Collection method: curation. Allele origin: germline. Inheritance: Autosomal dominant inheritance.
Comment: The BMPR2 c.1882A>G variant is a missense variant predicted to cause a threonine to alanine substitution at amino acid position 628 (p.(Thr628Ala)). The highest population minor allele frequency in gnomAD v.2.1.1 controls is 0.05% in the African/African American population which does not meet the threshold for PM2 (<0.01%), BS1 (>=0.1%), or BA1 (>5%) as defined by the ClinGen Pulmonary Hypertension VCEP. The REVEL score of 0.386 does not meet the threshold for BP4 (<=0.25)or PP3 (>=0.75). The amino acid substitution occurs in the c-terminal domain which is not a well-established functional domain, so PM1 was not met. Criteria not evaluated included PP1, PM6, and PS2 due to the absence of segregation evidence. Functional data is unavailable for this variant, so BS3 and PS3 were not evaluated. In summary, no criteria could be applied to this variant. It remains classified as a variant of uncertain significance (VUS) for pulmonary arterial hypertension based on the ACMG/AMP criteria evaluated, as specified by the ClinGen Pulmonary Hypertension VCEP (VCEP specification version 1.1, 1/18/2024).

Ambry Genetics
Classification: Uncertain significance for Inborn genetic diseases. Last evaluated: 2025-11-27. Review status: criteria provided, single submitter. Criteria: Ambry Variant Classification Scheme 2023. Collection method: clinical testing. Allele origin: germline. Not counted in ClinVar's aggregate classification.
Comment: The p.T628A variant (also known as c.1882A>G), located in coding exon 12 of the BMPR2 gene, results from an A to G substitution at nucleotide position 1882. The threonine at codon 628 is replaced by alanine, an amino acid with similar properties. This amino acid position is conserved. In addition, the in silico prediction for this alteration is inconclusive. Since supporting evidence is limited at this time, the clinical significance of this alteration remains unclear.

Labcorp Genetics (formerly Invitae), Labcorp
Classification: Benign for Primary pulmonary hypertension. Last evaluated: 2025-03-19. Review status: criteria provided, single submitter. Criteria: Invitae Variant Classification Sherloc (09022015). Collection method: clinical testing. Allele origin: germline. Not counted in ClinVar's aggregate classification.

Baylor Genetics
Classification: Uncertain significance for Pulmonary hypertension, primary, 1. Last evaluated: 2022-05-24. Review status: criteria provided, single submitter. Criteria: ACMG Guidelines, 2015. Collection method: clinical testing. Allele origin: unknown. Not counted in ClinVar's aggregate classification.

Baylor Genetics
Classification: Uncertain significance for Pulmonary venoocclusive disease 1. Last evaluated: 2022-05-24. Review status: criteria provided, single submitter. Criteria: ACMG Guidelines, 2015. Collection method: clinical testing. Allele origin: unknown. Not counted in ClinVar's aggregate classification.

NM_001204.7(BMPR2):c.1882A>G (p.Thr628Ala)

Gene: BMPR2 (bone morphogenetic protein receptor type 2; plus strand). Cytogenetic location: 2q33.2.
Variant type: single nucleotide variant.
Coding change: c.1882A>G on transcript NM_001204.7 (MANE Select); coding-DNA position 1882, A replaced by G.
Protein change: p.Thr628Ala; replaces threonine 628 with alanine.
Molecular consequence: missense variant.
Genome position (GRCh38, 1-based): chr2:202,555,547, A>G. VCF-style: chr2-202555547-A-G. GRCh37 (hg19) VCF-style: chr2-203420270-A-G.
Other names: NM_001204.7(BMPR2):c.1882A>G; p.Thr628Ala; short protein forms T628A.
Identifiers: ClinVar variation 2056317 (VCV002056317.9), dbSNP rs138038901, ClinGen allele CA2061469.
Genomic context (GRCh38, chr2:202,555,547, plus strand): 5'-CTCTCCACCAACACAACAACCACAAACACCACAGGACTCACGCCAAGTACTGGCATGACT[A>G]CTATATCTGAGATGCCATACCCAGATGAAACAAATCTGCATACCACAAATGTTGCACAGT-3'
Protein context (NP_001195.2, residues 618-638): TGLTPSTGMT[Thr628Ala]ISEMPYPDET